The following is an entry in ClinVar:

NM_005157.6(ABL1):c.2483C>T (p.Ser828Leu)

Gene: ABL1 (ABL proto-oncogene 1, non-receptor tyrosine kinase; plus strand). Cytogenetic location: 9q34.12.
Variant type: single nucleotide variant.
Coding change: c.2483C>T on transcript NM_005157.6 (MANE Select); coding-DNA position 2483, C replaced by T.
Protein change: p.Ser828Leu; replaces serine 828 with leucine.
Molecular consequence: missense variant.
Genome position (GRCh38, 1-based): chr9:130,884,773, C>T. VCF-style: chr9-130884773-C-T. GRCh37 (hg19) VCF-style: chr9-133760160-C-T.
Other names: c.2540C>T, p.Ser847Leu (NM_007313.3); short protein forms S847L, S828L.
Identifiers: ClinVar variation 1361462 (VCV001361462.6), dbSNP rs762470102, ClinGen allele CA5285707.
Genomic context (GRCh38, chr9:130,884,773, plus strand): 5'-CCAGCCCGCCCAACCTGACTCCAAAACCCCTCCGGCGGCAGGTCACCGTGGCCCCTGCCT[C>T]GGGCCTCCCCCACAAGGAAGAAGCTGGAAAGGGCAGTGCCTTAGGGACCCCTGCTGCAGC-3'
Protein context (NP_005148.2, residues 818-838): LRRQVTVAPA[Ser828Leu]GLPHKEEAGK

ClinVar aggregate classification (germline): Uncertain significance (1 of 4 stars; one submission).

Allele frequency attached by ClinVar (database versions not stated): gnomAD exomes 0.00001; TOPMed 0.00001; ExAC 0.00002.
gnomAD v4.1: 6 of 1,611,368 alleles (0.00037%); highest among the groups gnomAD compares: Admixed American, 0.0017%; no homozygotes.

Submission:

Labcorp Genetics (formerly Invitae), Labcorp
Classification: Uncertain significance. Last evaluated: 2021-12-02. Review status: criteria provided, single submitter. Criteria: Invitae Variant Classification Sherloc (09022015). Collection method: clinical testing. Allele origin: germline.
Comment: In summary, the available evidence is currently insufficient to determine the role of this variant in disease. Therefore, it has been classified as a Variant of Uncertain Significance. Advanced modeling of protein sequence and biophysical properties (such as structural, functional, and spatial information, amino acid conservation, physicochemical variation, residue mobility, and thermodynamic stability) performed at Invitae indicates that this missense variant is not expected to disrupt ABL1 protein function. This variant has not been reported in the literature in individuals affected with ABL1-related conditions. This variant is present in population databases (rs762470102, gnomAD 0.003%). This sequence change replaces serine, which is neutral and polar, with leucine, which is neutral and non-polar, at codon 847 of the ABL1 protein (p.Ser847Leu).